The following is an entry in ClinVar:

ClinVar aggregate classification (germline): Likely benign. Review status: criteria provided, multiple submitters, no conflicts (2 of 4 stars). 2 submissions from 2 submitters: Likely benign (2). Last evaluated 2025-07-01.

Allele frequency attached by ClinVar (database versions not stated): ESP Exome Variant Server 0.00169; 1000 Genomes Project 0.00260; 1000 Genomes Project 30x 0.00281.
gnomAD v4.1: 618 of 1,612,768 alleles (0.038%); highest among the groups gnomAD compares: African/African-American, 0.57%; 11 homozygotes.

Submissions (2):

CeGaT Center for Human Genetics Tuebingen
Classification: Likely benign. Last evaluated: 2025-07-01. Review status: criteria provided, single submitter. Criteria: CeGaT Center For Human Genetics Tuebingen Variant Classification Criteria Version 2. Collection method: clinical testing. Allele origin: germline. Affected: yes. Observed: 3 variant alleles.
Comment: FLG: BP4, BP7

Blueprint Genetics
Classification: Likely benign. Last evaluated: 2024-08-15. Review status: criteria provided, single submitter. Criteria: ACMG Guidelines, 2015. Collection method: clinical testing. Allele origin: germline.

NM_002016.2(FLG):c.7452A>G (p.Arg2484=)

Genes: CCDST (cervical cancer associated DHX9 suppressive transcript; plus strand), FLG (filaggrin; minus strand). Cytogenetic location: 1q21.3.
Variant type: single nucleotide variant.
Coding change: c.7452A>G on transcript NM_002016.2 (MANE Select); coding-DNA position 7452, A replaced by G.
Protein change: p.Arg2484=; no amino-acid change (arginine 2484 retained).
Molecular consequence: synonymous variant.
Genome position (GRCh38, 1-based): chr1:152,307,434, T>C on the plus strand (A>G on the coding strand, the complement: FLG is on the minus strand). VCF-style: chr1-152307434-T-C. GRCh37 (hg19) VCF-style: chr1-152279910-T-C.
Identifiers: ClinVar variation 2639268 (VCV002639268.25), dbSNP rs111937188, ClinGen allele CA1104714.